The following is an entry in ClinVar:

NM_000465.4(BARD1):c.582G>T (p.Arg194Ser)

Gene: BARD1 (BRCA1 associated RING domain 1; minus strand). Cytogenetic location: 2q35.
Variant type: single nucleotide variant.
Coding change: c.582G>T on transcript NM_000465.4 (MANE Select); coding-DNA position 582, G replaced by T.
Protein change: p.Arg194Ser; replaces arginine 194 with serine.
Molecular consequence: missense variant. On other transcripts: non-coding transcript variant (2), intron variant (3).
Genome position (GRCh38, 1-based): chr2:214,781,292, C>A on the plus strand (G>T on the coding strand, the complement: BARD1 is on the minus strand). VCF-style: chr2-214781292-C-A. GRCh37 (hg19) VCF-style: chr2-215646016-C-A.
Other names: c.525G>T, p.Arg175Ser (NM_001282543.2); c.158+28120G>T (NM_001282548.2); c.215+15769G>T (NM_001282545.2); c.364+11005G>T (NM_001282549.2); c.582G>T (NM_000465.2); short protein forms R194S, R175S.
Identifiers: ClinVar variation 919045 (VCV000919045.8), dbSNP rs1559425730, ClinGen allele CA350456831.

ClinVar aggregate classification (germline): Uncertain significance. Review status: criteria provided, multiple submitters, no conflicts (2 of 4 stars). 3 submissions from 3 submitters: Uncertain significance (3). Last evaluated 2025-04-28.

Conditions:
Hereditary cancer-predisposing syndrome. Also called: Neoplastic Syndromes, Hereditary; Tumor predisposition; Hereditary Cancer Syndrome; Hereditary neoplastic syndrome. Identifiers: Orphanet 140162, MedGen C0027672, MeSH D009386, MONDO:0015356.
Familial cancer of breast. Also called: BREAST CANCER, FAMILIAL; Hereditary breast cancer; hereditary breast carcinoma. Identifiers: Orphanet 227535, MedGen C0346153, MONDO:0016419, OMIM 114480. Disease mechanism: loss of function.

Submissions (3):

Ambry Genetics
Classification: Uncertain significance for Hereditary cancer-predisposing syndrome. Last evaluated: 2025-04-28. Review status: criteria provided, single submitter. Criteria: Ambry Variant Classification Scheme 2023. Collection method: clinical testing. Allele origin: germline.
Comment: The p.R194S variant (also known as c.582G>T), located in coding exon 4 of the BARD1 gene, results from a G to T substitution at nucleotide position 582. The arginine at codon 194 is replaced by serine, an amino acid with dissimilar properties. This amino acid position is conserved. In addition, this alteration is predicted to be tolerated by in silico analysis. Based on the available evidence, the clinical significance of this variant remains unclear.

Labcorp Genetics (formerly Invitae), Labcorp
Classification: Uncertain significance for Familial cancer of breast. Last evaluated: 2024-06-10. Review status: criteria provided, single submitter. Criteria: Invitae Variant Classification Sherloc (09022015). Collection method: clinical testing. Allele origin: germline.
Comment: This sequence change replaces arginine, which is basic and polar, with serine, which is neutral and polar, at codon 194 of the BARD1 protein (p.Arg194Ser). This variant is not present in population databases (gnomAD no frequency). This variant has not been reported in the literature in individuals affected with BARD1-related conditions. ClinVar contains an entry for this variant (Variation ID: 919045). Algorithms developed to predict the effect of missense changes on protein structure and function output the following: SIFT: "Not Available"; PolyPhen-2: "Benign"; Align-GVGD: "Not Available". The serine amino acid residue is found in multiple mammalian species, which suggests that this missense change does not adversely affect protein function. In summary, the available evidence is currently insufficient to determine the role of this variant in disease. Therefore, it has been classified as a Variant of Uncertain Significance.

Color Diagnostics, LLC DBA Color Health
Classification: Uncertain significance for Hereditary cancer-predisposing syndrome. Last evaluated: 2023-12-05. Review status: criteria provided, single submitter. Criteria: ACMG Guidelines, 2015. Collection method: clinical testing. Allele origin: germline.
Comment: This missense variant replaces arginine with serine at codon 194 of the BARD1 protein. Computational prediction tools and conservation analyses suggest that this variant may not impact the protein function. Computational splicing tools suggest that this variant may not impact RNA splicing. To our knowledge, functional assays have not been performed for this variant nor has this variant been reported in individuals affected with hereditary cancer in the literature. This variant has not been identified in the general population by the Genome Aggregation Database (gnomAD). Available evidence is insufficient to determine the role of this variant in disease conclusively. Therefore, this variant is classified as a Variant of Uncertain Significance.